The following is an entry in ClinVar:

ClinVar aggregate classification (germline): Pathogenic/Likely pathogenic. Review status: criteria provided, multiple submitters, no conflicts (2 of 4 stars). 5 submissions from 5 submitters: Pathogenic (4); Likely pathogenic (1). Last evaluated 2025-05-23.

Conditions:
Osteogenesis imperfecta type I (OI1). Also called: OI, TYPE I; OSTEOGENESIS IMPERFECTA TARDA; OSTEOGENESIS IMPERFECTA WITH BLUE SCLERAE; Lobstein disease; Osteogenesis imperfecta type 1; Lobstein's Disease. Identifiers: Orphanet 216796, Orphanet 666, MedGen C0023931, MONDO:0008146, OMIM 166200. Disease mechanism: loss of function.
Osteogenesis imperfecta type III (OI3). Also called: Osteogenesis imperfecta type 3; OI type 3; Osteogenesis imperfecta, progressively deforming with normal sclerae; OI type III; Progressively Deforming Osteogenesis Imperfecta. Identifiers: Orphanet 216812, Orphanet 666, MedGen C0268362, MONDO:0009804, OMIM 259420.

Allele frequency attached by ClinVar (database versions not stated): gnomAD exomes below 0.00001.
gnomAD v4.1: 1 of 1,596,882 alleles (0.000063%); highest among the groups gnomAD compares: Non-Finnish European, 0.000085%; no homozygotes.

Submissions (5):

Clinical Biomedical Laboratory, Shriners Hospital For Children - Canada
Classification: Pathogenic for Osteogenesis imperfecta type III. Last evaluated: 2025-05-23. Review status: criteria provided, single submitter. Criteria: ACMG Guidelines, 2015. Collection method: clinical testing. Allele origin: germline. Affected: yes.
Comment: This variant is predicated to change a glycine residue to a serine residue in the triple helical domain of the collagen type I alpha 1 chain. Glycine substitutions in the triple helical domain of collagen type I alpha 1 chain cause disruption in the formation of the triple helix in the collagen molecule and are typical cause of osteogenesis imperfecta. The variant is not present in the gnomAD database (version 2.1.1). This variant is absent from the Genome Aggregation Database (v2.1.1). The variant is predicted to be deleterious to protein function (Revel 0.99). The variant has been reported in the literature as a cause of osteogenesis imperfecta (PMID 27509835).

Labcorp Genetics (formerly Invitae), Labcorp
Classification: Pathogenic for Osteogenesis imperfecta type I. Last evaluated: 2025-02-23. Review status: criteria provided, single submitter. Criteria: Invitae Variant Classification Sherloc (09022015). Collection method: clinical testing. Allele origin: germline.
Comment: This sequence change replaces glycine, which is neutral and non-polar, with serine, which is neutral and polar, at codon 701 of the COL1A1 protein (p.Gly701Ser). This variant is not present in population databases (gnomAD no frequency). This missense change has been observed in individual(s) with osteogenesis imperfecta (PMID: 17078022, 25086671). ClinVar contains an entry for this variant (Variation ID: 1072429). Invitae Evidence Modeling of protein sequence and biophysical properties (such as structural, functional, and spatial information, amino acid conservation, physicochemical variation, residue mobility, and thermodynamic stability) indicates that this missense variant is expected to disrupt COL1A1 protein function with a positive predictive value of 95%. This variant disrupts the triple helix domain of COL1A1. Glycine residues within the Gly-Xaa-Yaa repeats of the triple helix domain are required for the structure and stability of fibrillar collagens (PMID: 7695699, 8218237, 19344236). In COL1A1, variants affecting these glycine residues are significantly enriched in individuals with disease (PMID: 9016532, 17078022) compared to the general population (ExAC). For these reasons, this variant has been classified as Pathogenic.

GeneDx
Classification: Pathogenic. Last evaluated: 2023-09-29. Review status: criteria provided, single submitter. Criteria: GeneDx Variant Classification Process June 2021. Collection method: clinical testing. Allele origin: germline. Affected: yes.
Comment: Reported in individuals classified as having a severe form of osteogenesis imperfecta (type III) (Rauch et al., 2014; Kanno et al., 2018); Occurs in the triple helical domain and replaces a glycine in a canonical Gly-X-Y repeat; missense substitution of a canonical glycine residue is expected to disrupt normal protein folding and function, and this is an established mechanism of disease (Jovanovic et al., 2021); Not observed at significant frequency in large population cohorts (gnomAD); In silico analysis supports that this missense variant has a deleterious effect on protein structure/function; This variant is associated with the following publications: (PMID: 17078022, 36140746, 28528406, 25086671, 34007986, 24077912)

ARUP Laboratories, Molecular Genetics and Genomics, ARUP Laboratories
Classification: Pathogenic. Last evaluated: 2023-04-27. Review status: criteria provided, single submitter. Criteria: ARUP Molecular Germline Variant Investigation Process 2024. Collection method: clinical testing. Allele origin: germline.
Comment: The COL1A1 c.2101G>A; p.Gly701Ser variant (rs68114505) is reported in the literature in several individuals affected with osteogenesis imperfecta (Kanno 2018, Marini 2007, Rauch 2014, Yang 2022). This variant is also reported in ClinVar (Variation ID: 1072429), but is absent from the Genome Aggregation Database, indicating it is not a common polymorphism. Computational analyses predict that this variant is deleterious (REVEL: 0.991). This codon is located in a Gly-X-Y triple helix repeat domain, and glycine substitutions are the most frequent pathogenic alterations in this region (Ben Amor 2011). Additionally, other amino acid substitutions at this codon (c.2101G>T; p.Gly701Cys, c.2102G>T; p.Gly201Val) have been reported in individuals with osteogenesis imperfecta (Corsten-Janssen 2020, Marini 2007, Sarafova 1998). Based on available information, the p.Gly701Ser variant is considered to be pathogenic. References: Ben Amor IM et al. Genotype-phenotype correlations in autosomal dominant osteogenesis imperfecta. J Osteoporos. 2011;2011:540178. PMID: 21912751. Corsten-Janssen N et al. A prospective study on rapid exome sequencing as a diagnostic test for multiple congenital anomalies on fetal ultrasound. Prenat Diagn. 2020 Sep;40(10):1300-1309. PMID: 32627857. Kanno J et al. Responsiveness to pamidronate treatment is not related to the genotype of type I collagen in patients with osteogenesis imperfecta. J Bone Miner Metab. 2018 May;36(3):344-351. PMID: 28528406. Marini JC et al. Consortium for osteogenesis imperfecta mutations in the helical domain of type I collagen: regions rich in lethal mutations align with collagen binding sites for integrins and proteoglycans. Hum Mutat. 2007 Mar;28(3):209-21. PMID: 17078022. Rauch F et al. Targeted sequencing of a pediatric metabolic bone gene panel using a desktop semiconductor next-generation sequencer. Calcif Tissue Int. 2014 Oct;95(4):323-31. PMID: 25086671. Sarafova AP et al. Three novel type I collagen mutations in osteogenesis imperfecta type IV probands are associated with discrepancies between electrophoretic migration of osteoblast and fibroblast collagen. Hum Mutat. 1998;11(5):395-403. PMID: 9600458. Yang K et al. Prenatal Cases Reflect the Complexity of the COL1A1/2 Associated Osteogenesis Imperfecta. Genes (Basel). 2022 Sep 2;13(9):1578. PMID: 36140746.

3billion
Classification: Likely pathogenic for Osteogenesis imperfecta type III. Last evaluated: 2022-05-22. Review status: criteria provided, single submitter. Criteria: ACMG Guidelines, 2015. Collection method: clinical testing. Allele origin: germline. Affected: yes. Observed: 1 heterozygote.
Comment: Amino acid change identical to known pathogenic variant has been previously reported with supporting evidence; this might be considered evidence of a supporting level (ClinVar ID: VCV001072429, PMID:17078022). Different pathogenic amino acid change has been reported with supporting evidence at the same codon (PMID:32627857,9600458). The variant is located in a well-established functional domain or exonic hotspot, where pathogenic variants have frequently reported. In silico prediction tools and conservation analysis predicted that this variant was probably damaging to the protein structure/function (REVEL: 0.991>=0.6, 3CNET: 0.964>=0.75). It is absent from the gnomAD v2.1.1 dataset. Therefore, this variant is classified as likely pathogenic according to the recommendation of ACMG/AMP guideline.

Literature cited by the submitters: PubMed 31447884 (cited by Clinical Biomedical Laboratory, Shriners Hospital For Children - Canada); PubMed 27509835 (cited by Clinical Biomedical Laboratory, Shriners Hospital For Children - Canada); PubMed 17078022 (cited by Labcorp Genetics (formerly Invitae), Labcorp and 3billion); PubMed 25086671 (cited by Labcorp Genetics (formerly Invitae), Labcorp); PubMed 7695699 (cited by Labcorp Genetics (formerly Invitae), Labcorp); PubMed 8218237 (cited by Labcorp Genetics (formerly Invitae), Labcorp); PubMed 19344236 (cited by Labcorp Genetics (formerly Invitae), Labcorp); PubMed 9016532 (cited by Labcorp Genetics (formerly Invitae), Labcorp); PubMed 32627857 (cited by 3billion); PubMed 9600458 (cited by 3billion); PubMed 27519266 (cited by 3billion).

NM_000088.4(COL1A1):c.2101G>A (p.Gly701Ser)

Gene: COL1A1 (collagen type I alpha 1 chain; minus strand). Cytogenetic location: 17q21.33.
Variant type: single nucleotide variant.
Coding change: c.2101G>A on transcript NM_000088.4 (MANE Select); coding-DNA position 2101, G replaced by A.
Protein change: p.Gly701Ser; replaces glycine 701 with serine.
Molecular consequence: missense variant.
Genome position (GRCh38, 1-based): chr17:50,191,814, C>T on the plus strand (G>A on the coding strand, the complement: COL1A1 is on the minus strand). VCF-style: chr17-50191814-C-T. GRCh37 (hg19) VCF-style: chr17-48269175-C-T.
Other names: c.2101G>A (NM_000088.3); short protein forms G701S.
Identifiers: ClinVar variation 1072429 (VCV001072429.13), dbSNP rs68114505, ClinGen allele CA291544045.